The following is an entry in ClinVar:

ClinVar aggregate classification (germline): Benign (1 of 4 stars; one submission).

Conditions:
Collagen 6-related myopathy. Identifiers: MedGen CN117976, MONDO:0100225.

Allele frequency attached by ClinVar (database versions not stated): gnomAD exomes 0.00047; TOPMed 0.00531; 1000 Genomes Project 0.00559.
gnomAD v4.1: 759 of 154,532 alleles (0.49%); highest among the groups gnomAD compares: African/African-American, 1.7%; 3 homozygotes.

Submission:

Illumina Laboratory Services, Illumina
Classification: Benign for Collagen VI-related myopathy. Last evaluated: 2018-01-12. Review status: criteria provided, single submitter. Criteria: ICSL Variant Classification Criteria 13 December 2019. Collection method: clinical testing. Allele origin: germline.
Comment: This variant was observed in the ICSL laboratory as part of a predisposition screen in an ostensibly healthy population. It had not been previously curated by ICSL or reported in the Human Gene Mutation Database (HGMD: prior to June 1st, 2018), and was therefore a candidate for classification through an automated scoring system. Utilizing variant allele frequency, disease prevalence and penetrance estimates, and inheritance mode, an automated score was calculated to assess if this variant is too frequent to cause the disease. Based on the score and internal cut-off values, a variant classified as benign is not then subjected to further curation. The score for this variant resulted in a classification of benign for this disease.

NM_001848.3(COL6A1):c.*923G>A

Gene: COL6A1 (collagen type VI alpha 1 chain; plus strand). Cytogenetic location: 21q22.3.
Variant type: single nucleotide variant.
Coding change: c.*923G>A on transcript NM_001848.3 (MANE Select); 923 bases downstream of the stop codon, G replaced by A.
Molecular consequence: 3 prime UTR variant.
Genome position (GRCh38, 1-based): chr21:46,004,936, G>A. VCF-style: chr21-46004936-G-A. GRCh37 (hg19) VCF-style: chr21-47424850-G-A.
Identifiers: ClinVar variation 896241 (VCV000896241.4), dbSNP rs115463773, ClinGen allele CA321981090.